The following is an entry in ClinVar:

ClinVar aggregate classification (germline): Pathogenic (1 of 4 stars; one submission).

Conditions:
Neurofibromatosis, type 1 (NF1). Also called: VON RECKLINGHAUSEN DISEASE; NEUROFIBROMATOSIS, TYPE I, SOMATIC; Neurofibromatosis, type I; Peripheral type neurofibromatosis. Identifiers: Orphanet 636, MedGen C0027831, MONDO:0018975, OMIM 162200. Disease mechanism: loss of function.

Submission:

Labcorp Genetics (formerly Invitae), Labcorp
Classification: Pathogenic for Neurofibromatosis, type 1. Last evaluated: 2023-01-20. Review status: criteria provided, single submitter. Criteria: Invitae Variant Classification Sherloc (09022015). Collection method: clinical testing. Allele origin: germline.
Comment: For these reasons, this variant has been classified as Pathogenic. This sequence change creates a premature translational stop signal (p.Thr32*) in the NF1 gene. It is expected to result in an absent or disrupted protein product. Loss-of-function variants in NF1 are known to be pathogenic (PMID: 10712197, 23913538). This variant is not present in population databases (gnomAD no frequency). This variant has not been reported in the literature in individuals affected with NF1-related conditions.

Literature cited by the submitters: PubMed 10712197; PubMed 23913538.

NM_001042492.3(NF1):c.93_94insTA (p.Thr32Ter)

Gene: NF1 (neurofibromin 1; plus strand). Cytogenetic location: 17q11.2.
Variant type: Insertion.
Coding change: c.93_94insTA on transcript NM_001042492.3 (MANE Select); coding-DNA positions 93 to 94, TA inserted.
Protein change: p.Thr32Ter; replaces threonine 32 with a stop codon.
Molecular consequence: nonsense. On other transcripts: frameshift variant (1).
Genome position: GRCh38 VCF-style: chr17-31156015-T-TTA. GRCh37 (hg19) VCF-style: chr17-29483033-T-TTA.
Other names: c.93_94insTA, p.Thr32Terfs (NM_000267.4); c.93_94insTA, p.Thr32Ter (NM_001128147.3); short protein forms T32*.
Identifiers: ClinVar variation 2830388 (VCV002830388.3), dbSNP rs2544680951, ClinGen allele CA2739267275.
Genomic context (GRCh38, chr17:31,156,015, plus strand): 5'-ACGTGTTTTTTTTTTCTTTTTTTTTCAGCTTCCAATAAAAACAGGACAGCAGAACACACA[T>TTA]ACCAAAGTCAGTACTGAGCACAACAAGGAATGTCTAATCAATATTTCCAAATACAAGTTT-3'